The following is an entry in ClinVar:

ClinVar aggregate classification (germline): Uncertain significance (1 of 4 stars; one submission).

Conditions:
Familial cancer of breast. Also called: BREAST CANCER, FAMILIAL; hereditary breast carcinoma; Hereditary breast cancer. Identifiers: Orphanet 227535, MedGen C0346153, MONDO:0016419, OMIM 114480. Disease mechanism: loss of function.

Submission:

Labcorp Genetics (formerly Invitae), Labcorp
Classification: Uncertain significance for Familial cancer of breast. Last evaluated: 2022-10-07. Review status: criteria provided, single submitter. Criteria: Invitae Variant Classification Sherloc (09022015). Collection method: clinical testing. Allele origin: germline.
Comment: This variant has not been reported in the literature in individuals affected with PALB2-related conditions. This sequence change replaces leucine, which is neutral and non-polar, with glutamine, which is neutral and polar, at codon 237 of the PALB2 protein (p.Leu237Gln). This variant is not present in population databases (gnomAD no frequency). Algorithms developed to predict the effect of missense changes on protein structure and function are either unavailable or do not agree on the potential impact of this missense change (SIFT: "Tolerated"; PolyPhen-2: "Possibly Damaging"; Align-GVGD: "Class C0"). In summary, the available evidence is currently insufficient to determine the role of this variant in disease. Therefore, it has been classified as a Variant of Uncertain Significance.

NM_024675.4(PALB2):c.710T>A (p.Leu237Gln)

Gene: PALB2 (partner and localizer of BRCA2; minus strand). Cytogenetic location: 16p12.2.
Variant type: single nucleotide variant.
Coding change: c.710T>A on transcript NM_024675.4 (MANE Select); coding-DNA position 710, T replaced by A.
Protein change: p.Leu237Gln; replaces leucine 237 with glutamine.
Molecular consequence: missense variant.
Genome position (GRCh38, 1-based): chr16:23,635,836, A>T on the plus strand (T>A on the coding strand, the complement: PALB2 is on the minus strand). VCF-style: chr16-23635836-A-T. GRCh37 (hg19) VCF-style: chr16-23647157-A-T.
Other names: c.650T>A, p.Leu217Gln (NM_001407296.1); c.710T>A, p.Leu237Gln (NM_001407297.1, NM_001407298.1, NM_001407299.1 and 3 more transcripts); c.-176T>A (NM_001407304.1, NM_001407305.1, NM_001407306.1 and 5 more transcripts); short protein forms L217Q, L237Q.
Identifiers: ClinVar variation 1721199 (VCV001721199.5), dbSNP rs2142436672, ClinGen allele CA395136342.